The following is an entry in ClinVar:

ClinVar aggregate classification (germline): Likely benign (1 of 4 stars; one submission).

gnomAD v4.1: 21 of 1,613,516 alleles (0.0013%); highest among the groups gnomAD compares: Admixed American, 0.0033%; no homozygotes.

Submission:

CeGaT Center for Human Genetics Tuebingen
Classification: Likely benign. Last evaluated: 2025-11-01. Review status: criteria provided, single submitter. Criteria: CeGaT Center For Human Genetics Tuebingen Variant Classification Criteria Version 2. Collection method: clinical testing. Allele origin: germline. Affected: yes. Observed: 1 variant allele.
Comment: CHURC1-FNTB: BP4, BP7; FNTB: BP4, BP7

NM_002028.4(FNTB):c.609C>T (p.Ser203=)

Genes: CHURC1-FNTB (CHURC1-FNTB readthrough; plus strand), FNTB (farnesyltransferase, CAAX box, subunit beta; plus strand), MAX (MYC associated transcriptional regulator X; minus strand). Cytogenetic location: 14q23.3.
Variant type: single nucleotide variant.
Coding change: c.609C>T on transcript NM_002028.4 (MANE Select); coding-DNA position 609, C replaced by T.
Protein change: p.Ser203=; no amino-acid change (serine 203 retained).
Molecular consequence: synonymous variant. On other transcripts: intron variant (2).
Genome position (GRCh38, 1-based): chr14:65,032,613, C>T. VCF-style: chr14-65032613-C-T. GRCh37 (hg19) VCF-style: chr14-65499331-C-T.
Other names: c.471C>T, p.Ser157= (NM_001202558.2); c.792C>T, p.Ser264= (NM_001202559.1); c.145-26329G>A (NM_001271069.2); c.172-26329G>A (NM_197957.4).
Identifiers: ClinVar variation 4534231 (VCV004534231.6).